The following is an entry in ClinVar:

ClinVar aggregate classification (germline): Uncertain significance (1 of 4 stars; one submission).

Submission:

ISCA site 14
Classification: Uncertain significance. Last evaluated: 2011-08-12. Review status: criteria provided, single submitter. Criteria: Kaminsky et al. (Genet Med. 2011). Collection method: clinical testing. Allele origin: unknown. Affected: yes. Observed: 1 variant allele.
Comment: Copy number variation identified through the course of routine clinical cytogenomic testing in postnatal populations. Clinical assertions have been curated as described in Kaminsky et al. 2011.

GRCh38/hg38 3p24.1(chr3:30623003-30666517)x1

Gene: TGFBR2 (transforming growth factor beta receptor 2; plus strand). Cytogenetic location: 3p24.1.
Variant type: copy number loss.
Change: copy number 1 (one copy instead of two) of chr3:30,623,003-30,666,517 (43.5 kb, GRCh38 coordinates, 1-based), cytogenetic band 3p24.1.
Identifiers: ClinVar variation 60054 (VCV000060054.1).